The following is an entry in ClinVar:

ClinVar aggregate classification (germline): Uncertain significance (1 of 4 stars; one submission).

Submission:

Labcorp Genetics (formerly Invitae), Labcorp
Classification: Uncertain significance. Last evaluated: 2023-11-27. Review status: criteria provided, single submitter. Criteria: Invitae Variant Classification Sherloc (09022015). Collection method: clinical testing. Allele origin: germline.
Comment: This sequence change replaces proline, which is neutral and non-polar, with arginine, which is basic and polar, at codon 348 of the MMP2 protein (p.Pro348Arg). This variant is not present in population databases (gnomAD no frequency). This variant has not been reported in the literature in individuals affected with MMP2-related conditions. ClinVar contains an entry for this variant (Variation ID: 2002936). Advanced modeling of protein sequence and biophysical properties (such as structural, functional, and spatial information, amino acid conservation, physicochemical variation, residue mobility, and thermodynamic stability) performed at Invitae indicates that this missense variant is not expected to disrupt MMP2 protein function with a negative predictive value of 80%. In summary, the available evidence is currently insufficient to determine the role of this variant in disease. Therefore, it has been classified as a Variant of Uncertain Significance.

NM_004530.6(MMP2):c.1043C>G (p.Pro348Arg)

Gene: MMP2 (matrix metallopeptidase 2; plus strand). Cytogenetic location: 16q12.2.
Variant type: single nucleotide variant.
Coding change: c.1043C>G on transcript NM_004530.6 (MANE Select); coding-DNA position 1043, C replaced by G.
Protein change: p.Pro348Arg; replaces proline 348 with arginine.
Molecular consequence: missense variant.
Genome position (GRCh38, 1-based): chr16:55,489,687, C>G. VCF-style: chr16-55489687-C-G. GRCh37 (hg19) VCF-style: chr16-55523599-C-G.
Other names: c.893C>G, p.Pro298Arg (NM_001127891.3); c.815C>G, p.Pro272Arg (NM_001302508.1, NM_001302509.2, NM_001302510.2); short protein forms P298R, P348R, P272R.
Identifiers: ClinVar variation 2002936 (VCV002002936.4), dbSNP rs1962351856, ClinGen allele CA395936162.